The following is an entry in ClinVar:

ClinVar aggregate classification (germline): Benign/Likely benign. Review status: criteria provided, multiple submitters, no conflicts (2 of 4 stars). 4 submissions from 4 submitters: Benign (2); Likely benign (1). 1 of the submissions does not count toward it. Last evaluated 2025-12-01.

Conditions:
KMT2B-related disorder. Also called: KMT2B-related disorders; KMT2B-related condition. Identifiers: MedGen CN381338.
Inborn genetic diseases. Identifiers: MedGen C0950123, MeSH D030342.

Allele frequency attached by ClinVar (database versions not stated): 1000 Genomes Project 0.00060; 1000 Genomes Project 30x 0.00062.
gnomAD v4.1: 347 of 1,613,286 alleles (0.022%); highest among the groups gnomAD compares: African/African-American, 0.39%; no homozygotes.

Submissions (4):

Labcorp Genetics (formerly Invitae), Labcorp
Classification: Benign. Last evaluated: 2025-12-01. Review status: criteria provided, single submitter. Criteria: Invitae Variant Classification Sherloc (09022015). Collection method: clinical testing. Allele origin: germline.

Ambry Genetics
Classification: Likely benign for Inborn genetic diseases. Last evaluated: 2021-08-09. Review status: criteria provided, single submitter. Criteria: Ambry Variant Classification Scheme 2023. Collection method: clinical testing. Allele origin: germline.

GeneDx
Classification: Benign. Last evaluated: 2021-05-07. Review status: criteria provided, single submitter. Criteria: GeneDx Variant Classification Process June 2021. Collection method: clinical testing. Allele origin: germline. Affected: yes.

PreventionGenetics, part of Exact Sciences
Classification: Likely benign for KMT2B-related condition. Last evaluated: 2019-04-25. Review status: no assertion criteria provided. Collection method: clinical testing. Allele origin: germline. Not counted in ClinVar's aggregate classification.
Comment: This variant is classified as likely benign based on ACMG/AMP sequence variant interpretation guidelines (Richards et al. 2015 PMID: 25741868, with internal and published modifications).

NM_014727.3(KMT2B):c.647C>G (p.Pro216Arg)

Gene: KMT2B (lysine methyltransferase 2B; plus strand). Cytogenetic location: 19q13.12.
Variant type: single nucleotide variant.
Coding change: c.647C>G on transcript NM_014727.3 (MANE Select); coding-DNA position 647, C replaced by G.
Protein change: p.Pro216Arg; replaces proline 216 with arginine.
Molecular consequence: missense variant.
Genome position (GRCh38, 1-based): chr19:35,719,994, C>G. VCF-style: chr19-35719994-C-G. GRCh37 (hg19) VCF-style: chr19-36210896-C-G.
Other names: c.647C>G (NM_014727.1); short protein forms P216R.
Identifiers: ClinVar variation 1264539 (VCV001264539.13), dbSNP rs200386275, ClinGen allele CA9384086.
Genomic context (GRCh38, chr19:35,719,994, plus strand): 5'-TTCTCCGGCGGGCCCAGGCACCCCAAGCACCCCGGAGCCGGGCATGTGAGCCCTCCACCC[C>G]CCGGCGGTCTCGGGGACGGCCCCCAGGACGGCCAGCAGGCCCCTGCAGGAGGAAGCAGCA-3'
Protein context (NP_055542.1, residues 206-226): PRSRACEPST[Pro216Arg]RRSRGRPPGR